The following is an entry in ClinVar:

NM_000260.4(MYO7A):c.5637-1G>T

Gene: MYO7A (myosin VIIA; plus strand). Cytogenetic location: 11q13.5.
Variant type: single nucleotide variant.
Coding change: c.5637-1G>T on transcript NM_000260.4 (MANE Select); the canonical splice acceptor site of the intron before coding-DNA position 5637, G replaced by T.
Molecular consequence: splice acceptor variant.
Genome position (GRCh38, 1-based): chr11:77,206,096, G>T. VCF-style: chr11-77206096-G-T. GRCh37 (hg19) VCF-style: chr11-76917141-G-T.
Other names: c.5490-1G>T (NM_001369365.1); c.5523-1G>T (NM_001127180.2).
Identifiers: ClinVar variation 1499822 (VCV001499822.8), dbSNP rs2135738753, ClinGen allele CA381953165.

ClinVar aggregate classification (germline): Likely pathogenic (1 of 4 stars; one submission).

Submission:

Labcorp Genetics (formerly Invitae), Labcorp
Classification: Likely pathogenic. Last evaluated: 2021-03-13. Review status: criteria provided, single submitter. Criteria: Invitae Variant Classification Sherloc (09022015). Collection method: clinical testing. Allele origin: germline.
Comment: This sequence change affects an acceptor splice site in intron 40 of the MYO7A gene. It is expected to disrupt RNA splicing. Variants that disrupt the donor or acceptor splice site typically lead to a loss of protein function (PMID: 16199547), and loss-of-function variants in MYO7A are known to be pathogenic (PMID: 8900236, 25404053). This variant is not present in population databases (ExAC no frequency). In summary, the currently available evidence indicates that the variant is pathogenic, but additional data are needed to prove that conclusively. Therefore, this variant has been classified as Likely Pathogenic. Disruption of this splice site has been observed in individual(s) with Usher syndrome (PMID: 10930322). Algorithms developed to predict the effect of sequence changes on RNA splicing suggest that this variant may disrupt the consensus splice site, but this prediction has not been confirmed by published transcriptional studies.

Literature cited by the submitters: PubMed 16199547; PubMed 8900236; PubMed 25404053; PubMed 10930322.